The following is an entry in ClinVar:

NM_000059.4(BRCA2):c.1898A>T (p.Asn633Ile)

Gene: BRCA2 (BRCA2 DNA repair associated; plus strand). Cytogenetic location: 13q13.1.
Variant type: single nucleotide variant.
Coding change: c.1898A>T on transcript NM_000059.4 (MANE Select); coding-DNA position 1898, A replaced by T.
Protein change: p.Asn633Ile; replaces asparagine 633 with isoleucine.
Molecular consequence: missense variant.
Genome position (GRCh38, 1-based): chr13:32,333,376, A>T. VCF-style: chr13-32333376-A-T. GRCh37 (hg19) VCF-style: chr13-32907513-A-T.
Other names: short protein forms N633I.
Identifiers: ClinVar variation 1466376 (VCV001466376.9), dbSNP rs2137476132, ClinGen allele CA387766831.
Genomic context (GRCh38, chr13:32,333,376, plus strand): 5'-TAATTAACTGTTCAGCCCAGTTTGAAGCAAATGCTTTTGAAGCACCACTTACATTTGCAA[A>T]TGCTGATTCAGGTACCTCTGTCTTTTTTTTTTTGTAAATAGTACATATAGTTTTATAGAT-3'
Protein context (NP_000050.3, residues 623-643): NAFEAPLTFA[Asn633Ile]ADSGLLHSSV

ClinVar aggregate classification (germline): Conflicting classifications of pathogenicity. Review status: criteria provided, conflicting classifications (1 of 4 stars). 2 submissions from 2 submitters: Uncertain significance (1); Likely benign (1). Last evaluated 2023-03-23.

Conditions:
Hereditary cancer-predisposing syndrome. Also called: Tumor predisposition; Hereditary Cancer Syndrome; Hereditary neoplastic syndrome; Neoplastic Syndromes, Hereditary. Identifiers: Orphanet 140162, MedGen C0027672, MeSH D009386, MONDO:0015356.
Hereditary breast ovarian cancer syndrome. Also called: BRCA1- and BRCA2-Associated Hereditary Breast and Ovarian Cancer; Hereditary breast and ovarian cancer; Hereditary breast and ovarian cancer syndrome; Hereditary breast and ovarian cancer syndrome (HBOC); Breast and ovarian cancer; Hereditary breast and/or ovarian cancer syndrome. Identifiers: Orphanet 145, MedGen C0677776, MeSH D061325, MONDO:0003582. Disease mechanism: loss of function.

Submissions (2):

University of Washington Department of Laboratory Medicine, University of Washington
Classification: Likely benign for Hereditary cancer-predisposing syndrome. Last evaluated: 2023-03-23. Review status: criteria provided, single submitter. Criteria: Dines et al. (Genet Med. 2020). Collection method: curation. Allele origin: germline.
Comment: Missense variant in a coldspot region where missense variants are very unlikely to be pathogenic (PMID:31911673).

BRCA2 exon 10 coldspot. Reclassification based on statistical prior probability.

Labcorp Genetics (formerly Invitae), Labcorp
Classification: Uncertain significance for Hereditary breast ovarian cancer syndrome. Last evaluated: 2021-06-18. Review status: criteria provided, single submitter. Criteria: Invitae Variant Classification Sherloc (09022015). Collection method: clinical testing. Allele origin: germline.
Comment: In summary, the available evidence is currently insufficient to determine the role of this variant in disease. Therefore, it has been classified as a Variant of Uncertain Significance. Advanced modeling of protein sequence and biophysical properties (such as structural, functional, and spatial information, amino acid conservation, physicochemical variation, residue mobility, and thermodynamic stability) performed at Invitae indicates that this missense variant is not expected to disrupt BRCA2 protein function. This variant has not been reported in the literature in individuals with BRCA2-related conditions. This variant is not present in population databases (ExAC no frequency). This sequence change replaces asparagine with isoleucine at codon 633 of the BRCA2 protein (p.Asn633Ile). The asparagine residue is moderately conserved and there is a large physicochemical difference between asparagine and isoleucine.